The following is an entry in ClinVar:

NM_001379110.1(SLC9A6):c.-57+39G>C

Genes: SLC9A6 (solute carrier family 9 member A6; plus strand), LOC130068746 (ATAC-STARR-seq lymphoblastoid silent region 21025; plus strand). Cytogenetic location: Xq26.3.
Variant type: single nucleotide variant.
Coding change: c.-57+39G>C on transcript NM_001379110.1 (MANE Select); 39 bases into the intron after 57 bases upstream of the start codon, G replaced by C.
Molecular consequence: intron variant. On other transcripts: missense variant (2).
Genome position (GRCh38, 1-based): chrX:135,985,516, G>C. VCF-style: chrX-135985516-G-C. GRCh37 (hg19) VCF-style: chrX-135067675-G-C.
Other names: c.14G>C, p.Gly5Ala (NM_001042537.2, NM_006359.3); c.-35-108G>C (NM_001400909.1); c.-56-87G>C (NM_001400910.1, NM_001400911.1); c.-57+39G>C (NM_001177651.2, NM_001400913.1); c.-57+44G>C (NM_001400912.1, NM_001330652.2); short protein forms G5A.
Identifiers: ClinVar variation 2895446 (VCV002895446.3), dbSNP rs2089318307, ClinGen allele CA414606345.

ClinVar aggregate classification (germline): Uncertain significance (1 of 4 stars; one submission).

Conditions:
Christianson syndrome (MRXSCH). Also called: SLC9A6-Related Syndromic Mental Retardation; INTELLECTUAL DEVELOPMENTAL DISORDER, X-LINKED, SYNDROMIC, CHRISTIANSON TYPE; X-linked mental retardation, syndromic, Christianson type. Identifiers: Orphanet 85278, MedGen C2678194, MONDO:0010278, OMIM 300243.

Allele frequency attached by ClinVar (database versions not stated): 1000 Genomes Project 30x 0.00021.

Submission:

Labcorp Genetics (formerly Invitae), Labcorp
Classification: Uncertain significance for Christianson syndrome. Last evaluated: 2023-06-10. Review status: criteria provided, single submitter. Criteria: Invitae Variant Classification Sherloc (09022015). Collection method: clinical testing. Allele origin: germline.
Comment: This variant is not present in population databases (gnomAD no frequency). In summary, the available evidence is currently insufficient to determine the role of this variant in disease. Therefore, it has been classified as a Variant of Uncertain Significance. Algorithms developed to predict the effect of missense changes on protein structure and function output the following: SIFT: "Not Available"; PolyPhen-2: "Not Available"; Align-GVGD: "Not Available". The alanine amino acid residue is found in multiple mammalian species, which suggests that this missense change does not adversely affect protein function. This variant has not been reported in the literature in individuals affected with SLC9A6-related conditions. This sequence change replaces glycine, which is neutral and non-polar, with alanine, which is neutral and non-polar, at codon 5 of the SLC9A6 protein (p.Gly5Ala).